The following is an entry in ClinVar:

NM_032242.4(PLXNA1):c.5622G>A (p.Glu1874=)

Gene: PLXNA1 (plexin A1; plus strand). Cytogenetic location: 3q21.3.
Variant type: single nucleotide variant.
Coding change: c.5622G>A on transcript NM_032242.4 (MANE Select); coding-DNA position 5622, G replaced by A.
Protein change: p.Glu1874=; no amino-acid change (glutamic acid 1874 retained).
Molecular consequence: synonymous variant.
Genome position (GRCh38, 1-based): chr3:127,033,948, G>A. VCF-style: chr3-127033948-G-A. GRCh37 (hg19) VCF-style: chr3-126752791-G-A.
Identifiers: ClinVar variation 3905995 (VCV003905995.10).

ClinVar aggregate classification (germline): Likely benign (1 of 4 stars; one submission).

Submission:

CeGaT Center for Human Genetics Tuebingen
Classification: Likely benign. Last evaluated: 2025-05-01. Review status: criteria provided, single submitter. Criteria: CeGaT Center For Human Genetics Tuebingen Variant Classification Criteria Version 2. Collection method: clinical testing. Allele origin: germline. Affected: yes. Observed: 1 variant allele.
Comment: PLXNA1: PM2:Supporting, BP4, BP7